The following is an entry in ClinVar:

ClinVar aggregate classification (germline): Pathogenic (1 of 4 stars; one submission).

Conditions:
Primary ciliary dyskinesia 9. Also called: CILIARY DYSKINESIA, PRIMARY, 9, WITH OR WITHOUT SITUS INVERSUS. Identifiers: Orphanet 244, MedGen C2676235, MONDO:0012906, OMIM 612444.

Submission:

Myriad Genetics, Inc.
Classification: Pathogenic for Primary ciliary dyskinesia 9. Last evaluated: 2023-09-22. Review status: criteria provided, single submitter. Criteria: Myriad Autosomal Dominant, Autosomal Recessive and X-Linked Classification Criteria (2023). Collection method: clinical testing. Allele origin: unknown.
Comment: NM_023036.4(DNAI2):c.334C>T(Q112*) is expected to be pathogenic in the context of primary ciliary dyskinesia, DNAI2-related. This variant is predicted to lead to an abnormal or absent protein product due to the creation of a premature termination codon in DNAI2, a gene where loss-of-function variants are known to be pathogenic. Please note: this variant was assessed in the context of healthy population screening.

NM_023036.6(DNAI2):c.334C>T (p.Gln112Ter)

Gene: DNAI2 (dynein axonemal intermediate chain 2; plus strand). Cytogenetic location: 17q25.1.
Variant type: single nucleotide variant.
Coding change: c.334C>T on transcript NM_023036.6 (MANE Select); coding-DNA position 334, C replaced by T.
Protein change: p.Gln112Ter; replaces glutamine 112 with a stop codon.
Molecular consequence: nonsense. On other transcripts: non-coding transcript variant (1).
Genome position (GRCh38, 1-based): chr17:74,285,190, C>T. VCF-style: chr17-74285190-C-T. GRCh37 (hg19) VCF-style: chr17-72281329-C-T.
Other names: c.334C>T, p.Gln112Ter (NM_001172810.3, NM_001353167.2); short protein forms Q112*.
Identifiers: ClinVar variation 5011725 (VCV005011725.1).
Genomic context (GRCh38, chr17:74,285,190, plus strand): 5'-CAGACCATCCGTTTCCGGAAGAAAGTGGAGAAAGATGAGAACTACGTTAACGCCATCATG[C>T]AGCTCGGCTCTGTAAGGCTTCCTCCTGCCCCAGCTGCAAGAGCCCCATCCATCACTGCAG-3'